The following is an entry in ClinVar:

ClinVar aggregate classification (germline): Uncertain significance (1 of 4 stars; one submission).

Conditions:
Cardiovascular phenotype. Identifiers: MedGen CN230736.

gnomAD v4.1: 5 of 1,589,936 alleles (0.00031%); highest among the groups gnomAD compares: Non-Finnish European, 0.00043%; no homozygotes.

Submission:

Ambry Genetics
Classification: Uncertain significance for Cardiovascular phenotype. Last evaluated: 2026-07-09. Review status: criteria provided, single submitter. Criteria: Ambry Variant Classification Scheme 2023. Collection method: clinical testing. Allele origin: germline.
Comment: The p.P3526S variant (also known as c.10576C>T), located in coding exon 30 of the TNXB gene, results from a C to T substitution at nucleotide position 10576. The proline at codon 3526 is replaced by serine, an amino acid with similar properties. This amino acid position is conserved. In addition, this alteration is predicted to be tolerated by in silico analysis. Based on the available evidence, the clinical significance of this variant remains unclear.

NM_001365276.2(TNXB):c.10582C>T (p.Pro3528Ser)

Gene: TNXB (tenascin XB; minus strand). Cytogenetic location: 6p21.33.
Variant type: single nucleotide variant.
Coding change: c.10582C>T on transcript NM_001365276.2 (MANE Select); coding-DNA position 10582, C replaced by T.
Protein change: p.Pro3528Ser; replaces proline 3528 with serine.
Molecular consequence: missense variant.
Genome position (GRCh38, 1-based): chr6:32,046,199, G>A on the plus strand (C>T on the coding strand, the complement: TNXB is on the minus strand). VCF-style: chr6-32046199-G-A. GRCh37 (hg19) VCF-style: chr6-32013976-G-A.
Other names: c.11323C>T, p.Pro3775Ser (NM_001428335.1); c.10576C>T, p.Pro3526Ser (NM_019105.8); short protein forms P3526S, P3775S, P3528S.
Identifiers: ClinVar variation 5031018 (VCV005031018.1).